The following is an entry in ClinVar:

NM_004589.4(SCO1):c.242C>G (p.Pro81Arg)

Gene: SCO1 (synthesis of cytochrome C oxidase 1; minus strand). Cytogenetic location: 17p13.1.
Variant type: single nucleotide variant.
Coding change: c.242C>G on transcript NM_004589.4 (MANE Select); coding-DNA position 242, C replaced by G.
Protein change: p.Pro81Arg; replaces proline 81 with arginine.
Molecular consequence: missense variant.
Genome position (GRCh38, 1-based): chr17:10,697,266, G>C on the plus strand (C>G on the coding strand, the complement: SCO1 is on the minus strand). VCF-style: chr17-10697266-G-C. GRCh37 (hg19) VCF-style: chr17-10600583-G-C.
Other names: short protein forms P81R.
Identifiers: ClinVar variation 1331157 (VCV001331157.5), dbSNP rs1224695466, ClinGen allele CA398134687.

ClinVar aggregate classification (germline): Conflicting classifications of pathogenicity. Review status: criteria provided, conflicting classifications (1 of 4 stars). 3 submissions from 3 submitters: Uncertain significance (2); Likely benign (1). Last evaluated 2024-04-24.

Conditions:
Inborn genetic diseases. Identifiers: MedGen C0950123, MeSH D030342.
Mitochondrial complex IV deficiency, nuclear type 4. Also called: Mitochondrial complex 4 deficiency, nuclear type 4. Identifiers: MedGen C5436683, MONDO:0033636, OMIM 619048.

Allele frequency attached by ClinVar (database versions not stated): gnomAD exomes below 0.00001 and 0.00001.
gnomAD v4.1: 3 of 1,567,008 alleles (0.00019%); highest among the groups gnomAD compares: East Asian, 0.007%; no homozygotes.

Submissions (3):

Fulgent Genetics
Classification: Uncertain significance for Mitochondrial complex IV deficiency, nuclear type 4. Last evaluated: 2024-04-24. Review status: criteria provided, single submitter. Criteria: ACMG Guidelines, 2015. Collection method: clinical testing. Allele origin: germline.

Ambry Genetics
Classification: Likely benign for Inborn genetic diseases. Last evaluated: 2023-09-20. Review status: criteria provided, single submitter. Criteria: Ambry Variant Classification Scheme 2023. Collection method: clinical testing. Allele origin: germline.

GeneDx
Classification: Uncertain significance. Last evaluated: 2021-06-29. Review status: criteria provided, single submitter. Criteria: GeneDx Variant Classification Process June 2021. Collection method: clinical testing. Allele origin: germline. Affected: yes.
Comment: Not observed at significant frequency in large population cohorts (Lek et al., 2016); In silico analysis supports that this missense variant does not alter protein structure/function; Has not been previously published as pathogenic or benign to our knowledge